The following is an entry in ClinVar:

ClinVar aggregate classification (germline): Uncertain significance. Review status: criteria provided, multiple submitters, no conflicts (2 of 4 stars). 2 submissions from 2 submitters: Uncertain significance (2). Last evaluated 2023-02-20.

Conditions:
Peroxisome biogenesis disorder 3A (Zellweger). Also called: PEROXISOMAL BIOGENESIS DISORDER 3A (ZELLWEGER); Peroxisome biogenesis disorder 3A. Identifiers: Orphanet 912, MedGen C3553929, MONDO:0013927, OMIM 614859.

Allele frequency attached by ClinVar (database versions not stated): gnomAD exomes below 0.00001; ExAC 0.00001; gnomAD 0.00001; 1000 Genomes Project 30x 0.00031; 1000 Genomes Project 0.00040.
gnomAD v4.1: 5 of 1,614,142 alleles (0.00031%); highest among the groups gnomAD compares: African/African-American, 0.0053%; no homozygotes.

Submissions (2):

Blueprint Genetics
Classification: Uncertain significance. Last evaluated: 2023-02-20. Review status: criteria provided, single submitter. Criteria: ACMG Guidelines, 2015. Collection method: clinical testing. Allele origin: germline.

Labcorp Genetics (formerly Invitae), Labcorp
Classification: Uncertain significance for Peroxisome biogenesis disorder 3A (Zellweger). Last evaluated: 2022-02-09. Review status: criteria provided, single submitter. Criteria: Invitae Variant Classification Sherloc (09022015). Collection method: clinical testing. Allele origin: germline.
Comment: This sequence change replaces aspartic acid, which is acidic and polar, with asparagine, which is neutral and polar, at codon 15 of the PEX12 protein (p.Asp15Asn). This variant is present in population databases (rs200048804, gnomAD 0.007%). This variant has not been reported in the literature in individuals affected with PEX12-related conditions. Algorithms developed to predict the effect of missense changes on protein structure and function are either unavailable or do not agree on the potential impact of this missense change (SIFT: "Tolerated"; PolyPhen-2: "Possibly Damaging"; Align-GVGD: "Class C0"). In summary, the available evidence is currently insufficient to determine the role of this variant in disease. Therefore, it has been classified as a Variant of Uncertain Significance.

NM_000286.3(PEX12):c.43G>A (p.Asp15Asn)

Gene: PEX12 (peroxisomal biogenesis factor 12; minus strand). Cytogenetic location: 17q12.
Variant type: single nucleotide variant.
Coding change: c.43G>A on transcript NM_000286.3 (MANE Select); coding-DNA position 43, G replaced by A.
Protein change: p.Asp15Asn; replaces aspartic acid 15 with asparagine.
Molecular consequence: missense variant.
Genome position (GRCh38, 1-based): chr17:35,577,979, C>T on the plus strand (G>A on the coding strand, the complement: PEX12 is on the minus strand). VCF-style: chr17-35577979-C-T. GRCh37 (hg19) VCF-style: chr17-33904998-C-T.
Other names: short protein forms D15N.
Identifiers: ClinVar variation 1517623 (VCV001517623.6), dbSNP rs200048804, ClinGen allele CA8504997.
Genomic context (GRCh38, chr17:35,577,979, plus strand): 5'-GTCTCACTGCTGTCATTAAACTGTCCTGTGCTACCACCTCAAAGATGGATGGCTGGTCAT[C>T]GGCCACAGAAGCAGCTGTGAAGTGAGCCCCGTGCTCAGCCATAGTTTCCTGCGTGTACTG-3'
Protein context (NP_000277.1, residues 5-25): GAHFTAASVA[Asp15Asn]DQPSIFEVVA